The following is an entry in ClinVar:

ClinVar aggregate classification (germline): Likely pathogenic (1 of 4 stars; one submission).

Conditions:
Usher syndrome type 2A. Also called: RETINAL DISEASE IN USHER SYNDROME TYPE IIA, MODIFIER OF; USHER SYNDROME, TYPE IIA. Identifiers: Orphanet 231178, Orphanet 886, MedGen C1848634, MONDO:0010169, OMIM 276901.

Submission:

Natera, Inc.
Classification: Likely pathogenic for Usher syndrome type 2A. Last evaluated: 2025-03-12. Review status: criteria provided, single submitter. Criteria: Natera Variant Classification Schema (03/2026). Collection method: clinical testing. Allele origin: germline.
Comment: The c.2993G>A variant in USH2A is a missense variant predicted to cause substitution of arginine to lysine at amino acid 998. This variant is rare in the general population with a frequency below the threshold expected for the associated phenotype(s). This variant has been observed in one or more individuals affected with the associated recessive disease, as either homozygous or compound heterozygous with a second variant (PMID: 24944099, 27460420). Functional studies show that this variant may disrupt protein function (PMID: 20052763). Computational prediction algorithms indicate this variant is likely to affect gene or protein function. Given the available evidence, this variant is classified as Likely Pathogenic.

Literature cited by the submitters: PubMed 24944099; PubMed 27460420; PubMed 20052763.

NM_206933.4(USH2A):c.2993G>A (p.Arg998Lys)

Genes: USH2A (usherin; minus strand), USH2A-AS1 (USH2A antisense RNA 1; plus strand). Cytogenetic location: 1q41.
Variant type: single nucleotide variant.
Coding change: c.2993G>A on transcript NM_206933.4 (MANE Select); coding-DNA position 2993, G replaced by A.
Protein change: p.Arg998Lys; replaces arginine 998 with lysine.
Molecular consequence: missense variant.
Genome position (GRCh38, 1-based): chr1:216,231,953, C>T on the plus strand (G>A on the coding strand, the complement: USH2A is on the minus strand). VCF-style: chr1-216231953-C-T. GRCh37 (hg19) VCF-style: chr1-216405295-C-T.
Other names: c.2993G>A, p.Arg998Lys (NM_007123.6); short protein forms R998K.
Identifiers: ClinVar variation 4062735 (VCV004062735.2).